The following is an entry in ClinVar:

ClinVar aggregate classification (germline): Uncertain significance (1 of 4 stars; one submission).

Submission:

Labcorp Genetics (formerly Invitae), Labcorp
Classification: Uncertain significance. Last evaluated: 2022-07-12. Review status: criteria provided, single submitter. Criteria: Invitae Variant Classification Sherloc (09022015). Collection method: clinical testing. Allele origin: germline.
Comment: In summary, the available evidence is currently insufficient to determine the role of this variant in disease. Therefore, it has been classified as a Variant of Uncertain Significance. Algorithms developed to predict the effect of missense changes on protein structure and function output the following: SIFT: "Deleterious"; PolyPhen-2: "Possibly Damaging"; Align-GVGD: "Class C0". The threonine amino acid residue is found in multiple mammalian species, which suggests that this missense change does not adversely affect protein function. This variant has not been reported in the literature in individuals affected with ASPM-related conditions. This variant is not present in population databases (gnomAD no frequency). This sequence change replaces alanine, which is neutral and non-polar, with threonine, which is neutral and polar, at codon 2668 of the ASPM protein (p.Ala2668Thr).

NM_018136.5(ASPM):c.8002G>A (p.Ala2668Thr)

Gene: ASPM (assembly factor for spindle microtubules; minus strand). Cytogenetic location: 1q31.3.
Variant type: single nucleotide variant.
Coding change: c.8002G>A on transcript NM_018136.5 (MANE Select); coding-DNA position 8002, G replaced by A.
Protein change: p.Ala2668Thr; replaces alanine 2668 with threonine.
Molecular consequence: missense variant. On other transcripts: intron variant (1).
Genome position (GRCh38, 1-based): chr1:197,101,249, C>T on the plus strand (G>A on the coding strand, the complement: ASPM is on the minus strand). VCF-style: chr1-197101249-C-T. GRCh37 (hg19) VCF-style: chr1-197070379-C-T.
Other names: c.4066-5085G>A (NM_001206846.2); short protein forms A2668T.
Identifiers: ClinVar variation 2072751 (VCV002072751.4), dbSNP rs1657163436, ClinGen allele CA344014345.